The following is an entry in ClinVar:

NM_006509.4(RELB):c.631C>A (p.Arg211=)

Gene: RELB (RELB proto-oncogene, NF-kB subunit; plus strand). Cytogenetic location: 19q13.32.
Variant type: single nucleotide variant.
Coding change: c.631C>A on transcript NM_006509.4 (MANE Select); coding-DNA position 631, C replaced by A.
Protein change: p.Arg211=; no amino-acid change (arginine 211 retained).
Molecular consequence: synonymous variant.
Genome position (GRCh38, 1-based): chr19:45,022,179, C>A. VCF-style: chr19-45022179-C-A. GRCh37 (hg19) VCF-style: chr19-45525437-C-A.
Other names: c.622C>A, p.Arg208= (NM_001411087.1).
Identifiers: ClinVar variation 1896490 (VCV001896490.5), dbSNP rs766811201, ClinGen allele CA308893528.
Genomic context (GRCh38, chr19:45,022,179, plus strand): 5'-CACCGAGTCCACCCCCACAGCCTCGTGGGGAAAGACTGCACCGACGGCATCTGCAGGGTG[C>A]GGCTCCGGCCTCACGTCAGCCCCCGGCACAGGTACCCACCCCCTGACCTCCGACCTCTCA-3'
Protein context (NP_006500.2, residues 201-221): KDCTDGICRV[Arg211=]LRPHVSPRHS

ClinVar aggregate classification (germline): Uncertain significance (1 of 4 stars; one submission).

gnomAD v4.1: 49 of 1,608,350 alleles (0.003%); highest among the groups gnomAD compares: Non-Finnish European, 0.004%; no homozygotes.

Submission:

Labcorp Genetics (formerly Invitae), Labcorp
Classification: Uncertain significance. Last evaluated: 2025-02-10. Review status: criteria provided, single submitter. Criteria: Invitae Variant Classification Sherloc (09022015). Collection method: clinical testing. Allele origin: germline.
Comment: This sequence change affects codon 211 of the RELB mRNA. It is a 'silent' change, meaning that it does not change the encoded amino acid sequence of the RELB protein. The frequency data for this variant in the population databases is considered unreliable, as metrics indicate poor data quality at this position in the gnomAD database. This variant has not been reported in the literature in individuals affected with RELB-related conditions. ClinVar contains an entry for this variant (Variation ID: 1896490). Algorithms developed to predict the effect of sequence changes on RNA splicing suggest that this variant may disrupt the consensus splice site. In summary, the available evidence is currently insufficient to determine the role of this variant in disease. Therefore, it has been classified as a Variant of Uncertain Significance.